The following is an entry in ClinVar:

NM_001199397.3(NEK1):c.52G>A (p.Ala18Thr)

Gene: NEK1 (NIMA related kinase 1; minus strand). Cytogenetic location: 4q33.
Variant type: single nucleotide variant.
Coding change: c.52G>A on transcript NM_001199397.3 (MANE Select); coding-DNA position 52, G replaced by A.
Protein change: p.Ala18Thr; replaces alanine 18 with threonine.
Molecular consequence: missense variant. On other transcripts: non-coding transcript variant (2).
Genome position (GRCh38, 1-based): chr4:169,602,579, C>T on the plus strand (G>A on the coding strand, the complement: NEK1 is on the minus strand). VCF-style: chr4-169602579-C-T. GRCh37 (hg19) VCF-style: chr4-170523730-C-T.
Other names: c.52G>A, p.Ala18Thr (NM_001199398.3, NM_001199399.3, NM_001199400.3 and 7 more transcripts); c.52G>A (NM_012224.2); short protein forms A18T.
Identifiers: ClinVar variation 2775604 (VCV002775604.4), dbSNP rs761234040, ClinGen allele CA3138133.

ClinVar aggregate classification (germline): Uncertain significance. Review status: criteria provided, multiple submitters, no conflicts (2 of 4 stars). 2 submissions from 2 submitters: Uncertain significance (2). Last evaluated 2025-09-11.

Conditions:
Short-rib thoracic dysplasia 6 with or without polydactyly (SRTD6). Also called: SHORT-RIB THORACIC DYSPLASIA 6 WITH POLYDACTYLY; SHORT-RIB THORACIC DYSPLASIA 6 WITHOUT POLYDACTYLY; Majewski Syndrome; POLYDACTYLY WITH NEONATAL CHONDRODYSTROPHY, TYPE II; SHORT RIB-POLYDACTYLY SYNDROME, TYPE IIA. Identifiers: MedGen C0024507, MONDO:0009894, OMIM 263520.
Inborn genetic diseases. Identifiers: MedGen C0950123, MeSH D030342.

Allele frequency attached by ClinVar (database versions not stated): gnomAD exomes below 0.00001; ExAC 0.00001; gnomAD 0.00001; TOPMed 0.00001.
gnomAD v4.1: 6 of 1,609,856 alleles (0.00037%); highest among the groups gnomAD compares: Admixed American, 0.01%; no homozygotes.

Submissions (2):

Ambry Genetics
Classification: Uncertain significance for Inborn genetic diseases. Last evaluated: 2025-09-11. Review status: criteria provided, single submitter. Criteria: Ambry Variant Classification Scheme 2023. Collection method: clinical testing. Allele origin: germline.

Labcorp Genetics (formerly Invitae), Labcorp
Classification: Uncertain significance for Short-rib thoracic dysplasia 6 with or without polydactyly. Last evaluated: 2024-07-06. Review status: criteria provided, single submitter. Criteria: Invitae Variant Classification Sherloc (09022015). Collection method: clinical testing. Allele origin: germline.
Comment: This sequence change replaces alanine, which is neutral and non-polar, with threonine, which is neutral and polar, at codon 18 of the NEK1 protein (p.Ala18Thr). This variant is present in population databases (rs761234040, gnomAD 0.02%). This variant has not been reported in the literature in individuals affected with NEK1-related conditions. Advanced modeling of protein sequence and biophysical properties (such as structural, functional, and spatial information, amino acid conservation, physicochemical variation, residue mobility, and thermodynamic stability) performed at Invitae indicates that this missense variant is expected to disrupt NEK1 protein function with a positive predictive value of 95%. In summary, the available evidence is currently insufficient to determine the role of this variant in disease. Therefore, it has been classified as a Variant of Uncertain Significance.